The following is an entry in ClinVar:

ClinVar aggregate classification (germline): Uncertain significance (1 of 4 stars; one submission).

Submission:

Labcorp Genetics (formerly Invitae), Labcorp
Classification: Uncertain significance. Last evaluated: 2025-08-12. Review status: criteria provided, single submitter. Criteria: Invitae Variant Classification Sherloc (09022015). Collection method: clinical testing. Allele origin: germline.
Comment: This sequence change replaces aspartic acid, which is acidic and polar, with asparagine, which is neutral and polar, at codon 326 of the RHAG protein (p.Asp326Asn). This variant is present in population databases (no rsID available, gnomAD 0.0009%). This variant has not been reported in the literature in individuals affected with RHAG-related conditions. Invitae Evidence Modeling of protein sequence and biophysical properties (such as structural, functional, and spatial information, amino acid conservation, physicochemical variation, residue mobility, and thermodynamic stability) indicates that this missense variant is expected to disrupt RHAG protein function with a positive predictive value of 80%. In summary, the available evidence is currently insufficient to determine the role of this variant in disease. Therefore, it has been classified as a Variant of Uncertain Significance.

NM_000324.3(RHAG):c.976G>A (p.Asp326Asn)

Gene: RHAG (Rh associated glycoprotein; minus strand). Cytogenetic location: 6p12.3.
Variant type: single nucleotide variant.
Coding change: c.976G>A on transcript NM_000324.3 (MANE Select); coding-DNA position 976, G replaced by A.
Protein change: p.Asp326Asn; replaces aspartic acid 326 with asparagine.
Molecular consequence: missense variant.
Genome position (GRCh38, 1-based): chr6:49,611,115, C>T on the plus strand (G>A on the coding strand, the complement: RHAG is on the minus strand). VCF-style: chr6-49611115-C-T. GRCh37 (hg19) VCF-style: chr6-49578828-C-T.
Other names: short protein forms D326N.
Identifiers: ClinVar variation 4775856 (VCV004775856.1).